The following is an entry in ClinVar:

NM_145690.3(YWHAZ):c.115G>A (p.Glu39Lys)

Gene: YWHAZ (tyrosine 3-monooxygenase/tryptophan 5-monooxygenase activation protein zeta; minus strand). Cytogenetic location: 8q22.3.
Variant type: single nucleotide variant.
Coding change: c.115G>A on transcript NM_145690.3 (MANE Select); coding-DNA position 115, G replaced by A.
Protein change: p.Glu39Lys; replaces glutamic acid 39 with lysine.
Molecular consequence: missense variant.
Genome position (GRCh38, 1-based): chr8:100,948,775, C>T on the plus strand (G>A on the coding strand, the complement: YWHAZ is on the minus strand). VCF-style: chr8-100948775-C-T. GRCh37 (hg19) VCF-style: chr8-101961003-C-T.
Other names: c.115G>A, p.Glu39Lys (NM_001135699.2, NM_001135700.2, NM_001135701.2 and 2 more transcripts); short protein forms E39K.
Identifiers: ClinVar variation 4529637 (VCV004529637.1).

ClinVar aggregate classification (germline): Uncertain significance (1 of 4 stars; one submission).

Submission:

GeneDx
Classification: Uncertain significance. Last evaluated: 2025-05-16. Review status: criteria provided, single submitter. Criteria: GeneDx Variant Classification Process June 2021. Collection method: clinical testing. Allele origin: germline. Affected: yes.
Comment: Not observed at significant frequency in large population cohorts (gnomAD); In silico analysis supports that this missense variant has a deleterious effect on protein structure/function; Has not been previously published as pathogenic or benign to our knowledge